The following is an entry in ClinVar:

ClinVar aggregate classification (germline): Conflicting classifications of pathogenicity. Review status: criteria provided, conflicting classifications (1 of 4 stars). 3 submissions from 3 submitters: Uncertain significance (2); Benign (1). Last evaluated 2026-01-15.

Conditions:
Inborn genetic diseases. Identifiers: MedGen C0950123, MeSH D030342.

Allele frequency attached by ClinVar (database versions not stated): gnomAD 0.00007; TOPMed 0.00008; ExAC 0.00011; 1000 Genomes Project 30x 0.00016; 1000 Genomes Project 0.00020.
gnomAD v4.1: 54 of 1,549,562 alleles (0.0035%); highest among the groups gnomAD compares: African/African-American, 0.022%; no homozygotes.

Submissions (3):

Labcorp Genetics (formerly Invitae), Labcorp
Classification: Benign. Last evaluated: 2026-01-15. Review status: criteria provided, single submitter. Criteria: Invitae Variant Classification Sherloc (09022015). Collection method: clinical testing. Allele origin: germline.

Mayo Clinic Laboratories, Mayo Clinic
Classification: Uncertain significance. Last evaluated: 2025-01-10. Review status: criteria provided, single submitter. Criteria: ACMG Guidelines, 2015. Collection method: clinical testing. Allele origin: germline. Observed: 2 variant alleles.
Comment: BP4_moderate, PM2_moderate

Ambry Genetics
Classification: Uncertain significance for Inborn genetic diseases. Last evaluated: 2022-01-19. Review status: criteria provided, single submitter. Criteria: Ambry Variant Classification Scheme 2023. Collection method: clinical testing. Allele origin: germline.

NM_001142864.4(PIEZO1):c.2765G>C (p.Gly922Ala)

Genes: PIEZO1 (piezo type mechanosensitive ion channel component 1 (Er blood group); minus strand), HSALR1 (HSP90AB1 associated lncRNA 1; plus strand). Cytogenetic location: 16q24.3.
Variant type: single nucleotide variant.
Coding change: c.2765G>C on transcript NM_001142864.4 (MANE Select); coding-DNA position 2765, G replaced by C.
Protein change: p.Gly922Ala; replaces glycine 922 with alanine.
Molecular consequence: missense variant.
Genome position (GRCh38, 1-based): chr16:88,732,632, C>G on the plus strand (G>C on the coding strand, the complement: PIEZO1 is on the minus strand). VCF-style: chr16-88732632-C-G. GRCh37 (hg19) VCF-style: chr16-88799040-C-G.
Other names: p.Gly922Ala; c.1307G>C, p.Gly436Ala (NM_014745.1); short protein forms G436A, G922A.
Identifiers: ClinVar variation 2368227 (VCV002368227.5), dbSNP rs575773932, ClinGen allele CA8232712.
Genomic context (GRCh38, chr16:88,732,632, plus strand): 5'-CGCCCGCCCAGCCGCCCACCAGCCCTTCAACTCACCTGGATGTAGCCCAGGTTGGGGAAC[C>G]CTTTCCGCACCCCAAACCAGTTGGCAGGGTCCACGGGCCCCCGGTACAGCAGGGACTGGC-3'
Protein context (NP_001136336.2, residues 912-932): DPANWFGVRK[Gly922Ala]FPNLGYIQNH